The following is an entry in ClinVar:

ClinVar aggregate classification (germline): Uncertain significance (1 of 4 stars; one submission).

Conditions:
F7-related disorder. Also called: F7-related condition.

Allele frequency attached by ClinVar (database versions not stated): gnomAD exomes below 0.00001; TOPMed 0.00001.
gnomAD v4.1: 1 of 1,613,294 alleles (0.000062%); highest among the groups gnomAD compares: Admixed American, 0.0017%; no homozygotes.

Submission:

PreventionGenetics, part of Exact Sciences
Classification: Uncertain significance for F7-related condition. Last evaluated: 2023-03-13. Review status: criteria provided, single submitter. Criteria: ACMG Guidelines, 2015. Collection method: clinical testing. Allele origin: germline.
Comment: The F7 c.584G>A variant is predicted to result in the amino acid substitution p.Cys195Tyr. To our knowledge, this variant has not been reported in the literature or in a large population database, indicating this variant is rare. At this time, the clinical significance of this variant is uncertain due to the absence of conclusive functional and genetic evidence.

NM_019616.4(F7):c.518G>A (p.Cys173Tyr)

Gene: F7 (coagulation factor VII; plus strand). Cytogenetic location: 13q34.
Variant type: single nucleotide variant.
Coding change: c.518G>A on transcript NM_019616.4 (MANE Select); coding-DNA position 518, G replaced by A.
Protein change: p.Cys173Tyr; replaces cysteine 173 with tyrosine.
Molecular consequence: missense variant. On other transcripts: non-coding transcript variant (1).
Genome position (GRCh38, 1-based): chr13:113,116,778, G>A. VCF-style: chr13-113116778-G-A. GRCh37 (hg19) VCF-style: chr13-113771092-G-A.
Other names: c.584G>A, p.Cys195Tyr (NM_000131.5); c.332G>A, p.Cys111Tyr (NM_001267554.2); short protein forms C111Y, C173Y, C195Y.
Identifiers: ClinVar variation 2630232 (VCV002630232.1), dbSNP rs2036200003, ClinGen allele CA388784700.